The following is an entry in ClinVar:

ClinVar aggregate classification (germline): Uncertain significance. Review status: criteria provided, multiple submitters, no conflicts (2 of 4 stars). 2 submissions from 2 submitters: Uncertain significance (2). Last evaluated 2025-08-19.

Conditions:
Primary ciliary dyskinesia. Also called: Ciliary dyskinesia. Identifiers: Orphanet 244, MedGen C0008780, MONDO:0016575, HP:0012265.

Submissions (2):

Ambry Genetics
Classification: Uncertain significance. Last evaluated: 2025-08-19. Review status: criteria provided, single submitter. Criteria: Ambry Variant Classification Scheme 2023. Collection method: clinical testing. Allele origin: germline.

Labcorp Genetics (formerly Invitae), Labcorp
Classification: Uncertain significance for Primary ciliary dyskinesia. Last evaluated: 2024-03-04. Review status: criteria provided, single submitter. Criteria: Invitae Variant Classification Sherloc (09022015). Collection method: clinical testing. Allele origin: germline.
Comment: This sequence change replaces glutamic acid, which is acidic and polar, with glutamine, which is neutral and polar, at codon 4108 of the DNAH8 protein (p.Glu4108Gln). This variant is not present in population databases (gnomAD no frequency). This variant has not been reported in the literature in individuals affected with DNAH8-related conditions. Advanced modeling of protein sequence and biophysical properties (such as structural, functional, and spatial information, amino acid conservation, physicochemical variation, residue mobility, and thermodynamic stability) performed at Invitae indicates that this missense variant is not expected to disrupt DNAH8 protein function with a negative predictive value of 80%. In summary, the available evidence is currently insufficient to determine the role of this variant in disease. Therefore, it has been classified as a Variant of Uncertain Significance.

NM_001206927.2(DNAH8):c.12322G>C (p.Glu4108Gln)

Genes: DNAH8 (dynein axonemal heavy chain 8; plus strand), DNAH8-AS1 (DNAH8 antisense RNA 1; minus strand). Cytogenetic location: 6p21.2.
Variant type: single nucleotide variant.
Coding change: c.12322G>C on transcript NM_001206927.2 (MANE Select); coding-DNA position 12322, G replaced by C.
Protein change: p.Glu4108Gln; replaces glutamic acid 4108 with glutamine.
Molecular consequence: missense variant.
Genome position (GRCh38, 1-based): chr6:38,951,391, G>C. VCF-style: chr6-38951391-G-C. GRCh37 (hg19) VCF-style: chr6-38919167-G-C.
Other names: c.11671G>C, p.Glu3891Gln (NM_001371.4); c.12322G>C (NM_001206927.1); short protein forms E4108Q, E3891Q.
Identifiers: ClinVar variation 3712240 (VCV003712240.3).
Genomic context (GRCh38, chr6:38,951,391, plus strand): 5'-GACCGTACTGTTTTTCAAGCAAGAAAGTATATTGCAGATTCTTTGGAGGAGAAGTACACA[G>C]AACCAGTTATCTTAAATCTGGAGAAAACTTGGGAAGAAAGTGATACCCGGACACCTCTGA-3'
Protein context (NP_001193856.1, residues 4098-4118): IADSLEEKYT[Glu4108Gln]PVILNLEKTW